The following is an entry in ClinVar:

ClinVar aggregate classification (germline): Uncertain significance. Review status: criteria provided, multiple submitters, no conflicts (2 of 4 stars). 7 submissions from 7 submitters: Uncertain significance (6). 1 of the submissions does not count toward it. Last evaluated 2026-02-17.

Conditions:
RMRP-related disorder. Also called: RMRP-related condition.
Anauxetic dysplasia. Identifiers: Orphanet 93347, MedGen C1846796, MONDO:0011773.
Metaphyseal chondrodysplasia, McKusick type (CHH). Also called: Cartilage-Hair Hypoplasia (CHH); Cartilage-hair hypoplasia. Identifiers: Orphanet 175, MedGen C0220748, MONDO:0009595, OMIM 250250.
Anauxetic dysplasia 1 (ANXD1). Also called: Anauxetic Dysplasia (AD). Identifiers: Orphanet 93347, MedGen C4551965, MONDO:0054560, OMIM 607095.
Metaphyseal dysplasia without hypotrichosis. Also called: CARTILAGE-HAIR HYPOPLASIA VARIANT, SKELETAL MANIFESTATIONS ONLY; CARTILAGE-HAIR HYPOPLASIA-LIKE SKELETAL DYSPLASIA WITHOUT HYPOTRICHOSIS OR IMMUNODEFICIENCY; Metaphyseal Dysplasia without Hypotrichosis (MDWH). Identifiers: MedGen C1834821, MONDO:0009601, OMIM 250460.

Allele frequency attached by ClinVar (database versions not stated): ExAC 0.00019; gnomAD 0.00022.
gnomAD v4.1: 152 of 697,740 alleles (0.022%); highest among the groups gnomAD compares: Non-Finnish European, 0.036%; no homozygotes.

Submissions (7):

Women's Health and Genetics/Laboratory Corporation of America, LabCorp
Classification: Uncertain significance. Last evaluated: 2026-02-17. Review status: criteria provided, single submitter. Criteria: LabCorp Variant Classification Summary - May 2015. Collection method: clinical testing. Allele origin: germline.
Comment: Variant summary: RMRP n.124C>A (also known as NC_000009.11: chr9:g.35657892G>T) alters a nucleotide in the non-coding RNA. The variant allele was found at a frequency of 0.00017 in 130506 control chromosomes. This frequency is not significantly higher than estimated for disease-causing variants in RMRP, allowing no conclusion about variant significance. n.124C>A has been observed in the presumed compound heterozygous state in at least 1 individual(s) affected with Cartilage-Hair Hypoplasia (example, Tuysuz_2023). These data do not allow any conclusion about variant significance. To our knowledge, no experimental evidence demonstrating an impact on protein function has been reported. The following publication has been ascertained in the context of this evaluation (PMID: 36400164). ClinVar contains an entry for this variant (Variation ID: 426730). Based on the evidence outlined above, the variant was classified as uncertain significance.

Labcorp Genetics (formerly Invitae), Labcorp
Classification: Uncertain significance for Anauxetic dysplasia. Last evaluated: 2025-01-01. Review status: criteria provided, single submitter. Criteria: Invitae Variant Classification Sherloc (09022015). Collection method: clinical testing. Allele origin: germline.
Comment: This variant occurs in the RMRP gene, which encodes an RNA molecule that does not result in a protein product. This variant is present in population databases (rs758130879, gnomAD 0.04%). This variant has been observed in individual(s) with cartilage-hair hypoplasia (PMID: 36400164). ClinVar contains an entry for this variant (Variation ID: 426730). Experimental studies and prediction algorithms are not available or were not evaluated, and the functional significance of this variant is currently unknown. In summary, the available evidence is currently insufficient to determine the role of this variant in disease. Therefore, it has been classified as a Variant of Uncertain Significance.

Blueprint Genetics
Classification: Uncertain significance. Last evaluated: 2024-11-06. Review status: criteria provided, single submitter. Criteria: ACMG Guidelines, 2015. Collection method: clinical testing. Allele origin: germline.

PreventionGenetics, part of Exact Sciences
Classification: Uncertain significance for RMRP-related condition. Last evaluated: 2023-01-09. Review status: criteria provided, single submitter. Criteria: ACMG Guidelines, 2015. Collection method: clinical testing. Allele origin: germline.
Comment: The RMRP n.124C>A is a noncoding alteration. To our knowledge, this variant has not been reported in the literature. This variant is reported in 0.041% of alleles in individuals of European (Non-Finnish) descent in gnomAD. In ClinVar, this variant is interpreted as Uncertain. At this time, the clinical significance of this variant is uncertain due to the absence of conclusive functional and genetic evidence.

Fulgent Genetics
Classification: Uncertain significance for Metaphyseal chondrodysplasia, McKusick type; Metaphyseal dysplasia without hypotrichosis; Anauxetic dysplasia 1. Last evaluated: 2018-10-31. Review status: criteria provided, single submitter. Criteria: ACMG Guidelines, 2015. Collection method: clinical testing. Allele origin: unknown.

GeneDx
Classification: Uncertain significance. Last evaluated: 2017-04-06. Review status: criteria provided, single submitter. Criteria: GeneDx Variant Classification (06012015). Collection method: clinical testing. Allele origin: germline. Affected: yes.
Comment: The RMRP gene encodes the RNA subunit of a RNA processing enzyme complex (endoribonuclease). The r.124 C>A variant has not been published as a pathogenic variant, nor has it been reported as a benign variant to our knowledge. The variant is not observed at a significant frequency in large population cohorts (Lek et al., 2016; 1000 Genomes Consortium et al., 2015; Exome Variant Server). This variant occurs at a position that is not conserved. However, other variants in the same stem (r.125 C>T, r.127C>T, r.128 G>A, r.181 G>A, r.183 G>C, r.183 G>T, r.183 G>A) have been reported in the Human Gene Mutation Database in association with Cartilage-Hair Hypoplasia (Stenson et al., 2014), supporting the functional importance of this region of the gene. In summary, based on the currently available information, it is unclear whether this variant is a pathogenic variant or a rare benign variant.

Natera, Inc.
Classification: Uncertain significance for Cartilage-hair hypoplasia. Last evaluated: 2020-01-17. Review status: no assertion criteria provided. Collection method: clinical testing. Allele origin: germline. Not counted in ClinVar's aggregate classification.

Literature cited by the submitters: PubMed 36400164 (cited by Women's Health and Genetics/Laboratory Corporation of America, LabCorp and Labcorp Genetics (formerly Invitae), Labcorp).

NR_003051.4(RMRP):n.125C>A

Gene: RMRP (RNA component of mitochondrial RNA processing endoribonuclease; minus strand). Cytogenetic location: 9p13.3.
Variant type: single nucleotide variant.
Genome position: GRCh38 VCF-style: chr9-35657895-G-T. GRCh37 (hg19) VCF-style: chr9-35657892-G-T.
Identifiers: ClinVar variation 426730 (VCV000426730.11), dbSNP rs758130879, ClinGen allele CA5045840.